The following is an entry in ClinVar:

ClinVar aggregate classification (germline): Uncertain significance. Review status: criteria provided, multiple submitters, no conflicts (2 of 4 stars). 2 submissions from 2 submitters: Uncertain significance (2). Last evaluated 2025-03-17.

Conditions:
Melanoma, cutaneous malignant, susceptibility to, 5. Also called: Cutaneous malignant melanoma 5. Identifiers: Orphanet 618, MedGen C2751295, MONDO:0013133, OMIM 613099.

Allele frequency attached by ClinVar (database versions not stated): ExAC 0.00002.
gnomAD v4.1: 5 of 1,613,240 alleles (0.00031%); highest among the groups gnomAD compares: Middle Eastern, 0.066%; no homozygotes.

Submissions (2):

Ambry Genetics
Classification: Uncertain significance. Last evaluated: 2025-03-17. Review status: criteria provided, single submitter. Criteria: Ambry Variant Classification Scheme 2023. Collection method: clinical testing. Allele origin: germline.
Comment: The p.T244P variant (also known as c.730A>C), located in coding exon 1 of the MC1R gene, results from an A to C substitution at nucleotide position 730. The threonine at codon 244 is replaced by proline, an amino acid with highly similar properties. This amino acid position is conserved. In addition, the in silico prediction for this alteration is inconclusive. Based on the available evidence, the clinical significance of this variant remains unclear.

Labcorp Genetics (formerly Invitae), Labcorp
Classification: Uncertain significance for Melanoma, cutaneous malignant, susceptibility to, 5. Last evaluated: 2023-06-27. Review status: criteria provided, single submitter. Criteria: Invitae Variant Classification Sherloc (09022015). Collection method: clinical testing. Allele origin: germline.
Comment: This sequence change replaces threonine, which is neutral and polar, with proline, which is neutral and non-polar, at codon 244 of the MC1R protein (p.Thr244Pro). This variant is present in population databases (rs769056179, gnomAD 0.003%). This variant has not been reported in the literature in individuals affected with MC1R-related conditions. Advanced modeling of protein sequence and biophysical properties (such as structural, functional, and spatial information, amino acid conservation, physicochemical variation, residue mobility, and thermodynamic stability) performed at Invitae indicates that this missense variant is expected to disrupt MC1R protein function. In summary, the available evidence is currently insufficient to determine the role of this variant in disease. Therefore, it has been classified as a Variant of Uncertain Significance.

NM_002386.4(MC1R):c.730A>C (p.Thr244Pro)

Gene: MC1R (melanocortin 1 receptor; plus strand). Cytogenetic location: 16q24.3.
Variant type: single nucleotide variant.
Coding change: c.730A>C on transcript NM_002386.4 (MANE Select); coding-DNA position 730, A replaced by C.
Protein change: p.Thr244Pro; replaces threonine 244 with proline.
Molecular consequence: missense variant.
Genome position (GRCh38, 1-based): chr16:89,919,988, A>C. VCF-style: chr16-89919988-A-C. GRCh37 (hg19) VCF-style: chr16-89986396-A-C.
Other names: c.730A>C (NM_002386.3); short protein forms T244P.
Identifiers: ClinVar variation 2698184 (VCV002698184.4), dbSNP rs769056179, ClinGen allele CA8255728.